The following is an entry in ClinVar:

ClinVar aggregate classification (germline): Likely benign (1 of 4 stars; one submission).

Conditions:
MFN2-related disorder. Also called: MFN2-related disorders; MFN2-related condition.

Submission:

PreventionGenetics, part of Exact Sciences
Classification: Likely benign for MFN2-related condition. Last evaluated: 2026-06-16. Review status: criteria provided, single submitter. Criteria: ACMG Guidelines, 2015. Collection method: clinical testing. Allele origin: germline.
Comment: This variant is classified as likely benign based on ACMG/AMP sequence variant interpretation guidelines (Richards et al. 2015 PMID: 25741868, with internal and published modifications).

NM_014874.4(MFN2):c.817-4C>G

Gene: MFN2 (mitofusin 2; plus strand). Cytogenetic location: 1p36.22.
Variant type: single nucleotide variant.
Coding change: c.817-4C>G on transcript NM_014874.4 (MANE Select); 4 bases into the intron before coding-DNA position 817, C replaced by G.
Molecular consequence: intron variant.
Genome position (GRCh38, 1-based): chr1:12,001,397, C>G. VCF-style: chr1-12001397-C-G. GRCh37 (hg19) VCF-style: chr1-12061454-C-G.
Other names: c.817-4C>G (NM_001127660.2).
Identifiers: ClinVar variation 4992651 (VCV004992651.1).
Genomic context (GRCh38, chr1:12,001,397, plus strand): 5'-AAGAGGCAGGTGGGGGCTGTGGGGCCACCTACACTCACTCTGGACACATTTGTTTGGGCT[C>G]CAGGTGCGGCGGCAGCACATGGAGCGTTGTACCAGCTTCCTGGTGGATGAGCTGGGCGTG-3'